The following is an entry in ClinVar:

ClinVar aggregate classification (germline): Conflicting classifications of pathogenicity. Review status: criteria provided, conflicting classifications (1 of 4 stars). 4 submissions from 4 submitters: Uncertain significance (1); Likely benign (2). 1 of the submissions does not count toward it. Last evaluated 2026-01-22.

Conditions:
Epidermolysis bullosa simplex 5B, with muscular dystrophy (EBS5B). Also called: EPIDERMOLYSIS BULLOSA SIMPLEX AND LIMB-GIRDLE MUSCULAR DYSTROPHY; Epidermolysis bullosa simplex with muscular dystrophy. Identifiers: Orphanet 257, MedGen C2931072, MONDO:0009181, OMIM 226670.
Autosomal recessive limb-girdle muscular dystrophy type 2Q (LGMDR17). Also called: MUSCULAR DYSTROPHY, LIMB-GIRDLE, AUTOSOMAL RECESSIVE 17. Identifiers: Orphanet 254361, MedGen C3150989, MONDO:0013390, OMIM 613723.
Epidermolysis bullosa simplex, Ogna type (EBS5A). Also called: Pidermolysis bullosa simplex 5A, Ogna type; EPIDERMOLYSIS BULLOSA SIMPLEX 5A, OGNA TYPE. Identifiers: Orphanet 79401, MedGen C0432317, MONDO:0007555, OMIM 131950.
Epidermolysis bullosa simplex with nail dystrophy (EBS5D). Identifiers: MedGen C4225309, MONDO:0014661, OMIM 616487.
Epidermolysis bullosa simplex 5C, with pyloric atresia (EBS5C). Also called: PLEC-Related Epidermolysis Bullosa with Pyloric Atresia; Epidermolysis bullosa simplex with pyloric atresia; PLEC1-Related Epidermolysis Bullosa with Pyloric Atresia. Identifiers: Orphanet 158684, MedGen C2677349, MONDO:0012807, OMIM 612138.
PLEC-related disorder. Also called: PLEC-related condition; PLEC-related disorders.

Allele frequency attached by ClinVar (database versions not stated): TOPMed 0.00006; gnomAD 0.00007 and 0.00008; gnomAD exomes 0.00007 and 0.00008; ExAC 0.00013.
gnomAD v4.1: 113 of 1,544,304 alleles (0.0073%); highest among the groups gnomAD compares: Middle Eastern, 0.018%; no homozygotes.

Submissions (4):

Labcorp Genetics (formerly Invitae), Labcorp
Classification: Likely benign for Autosomal recessive limb-girdle muscular dystrophy type 2Q; Epidermolysis bullosa simplex, Ogna type; Epidermolysis bullosa simplex with nail dystrophy; Epidermolysis bullosa simplex 5C, with pyloric atresia; Epidermolysis bullosa simplex 5B, with muscular dystrophy. Last evaluated: 2026-01-22. Review status: criteria provided, single submitter. Criteria: Invitae Variant Classification Sherloc (09022015). Collection method: clinical testing. Allele origin: germline.

Blueprint Genetics
Classification: Likely benign. Last evaluated: 2024-09-05. Review status: criteria provided, single submitter. Criteria: ACMG Guidelines, 2015. Collection method: clinical testing. Allele origin: germline.

Eurofins Ntd Llc (ga)
Classification: Uncertain significance. Last evaluated: 2017-06-21. Review status: criteria provided, single submitter. Criteria: EGL Classification Definitions 2015. Collection method: clinical testing. Allele origin: germline. Observed: 2 variant alleles, 2 heterozygotes.

PreventionGenetics, part of Exact Sciences
Classification: Likely benign for PLEC-related condition. Last evaluated: 2019-08-29. Review status: no assertion criteria provided. Collection method: clinical testing. Allele origin: germline. Not counted in ClinVar's aggregate classification.
Comment: This variant is classified as likely benign based on ACMG/AMP sequence variant interpretation guidelines (Richards et al. 2015 PMID: 25741868, with internal and published modifications).

NM_201384.3(PLEC):c.5469C>T (p.Asp1823=)

Gene: PLEC (plectin; minus strand). Cytogenetic location: 8q24.3.
Variant type: single nucleotide variant.
Coding change: c.5469C>T on transcript NM_201384.3 (MANE Select); coding-DNA position 5469, C replaced by T.
Protein change: p.Asp1823=; no amino-acid change (aspartic acid 1823 retained).
Molecular consequence: synonymous variant.
Genome position (GRCh38, 1-based): chr8:143,924,460, G>A on the plus strand (C>T on the coding strand, the complement: PLEC is on the minus strand). VCF-style: chr8-143924460-G-A. GRCh37 (hg19) VCF-style: chr8-144998628-G-A.
Other names: c.5550C>T, p.Asp1850= (NM_000445.5); c.5427C>T, p.Asp1809= (NM_201378.4); c.5403C>T, p.Asp1801= (NM_201379.3); c.5880C>T, p.Asp1960= (NM_201380.4); c.5373C>T, p.Asp1791= (NM_201381.3); c.5469C>T, p.Asp1823= (NM_201382.4); c.5481C>T, p.Asp1827= (NM_201383.3).
Identifiers: ClinVar variation 497098 (VCV000497098.16), dbSNP rs771101893, ClinGen allele CA4926357.
Genomic context (GRCh38, chr8:143,924,460, plus strand): 5'-GCCGATGGCGGCCAGCTTCTCCGCAAGCACCCGCTCCGCCTCGGCCCGCTGCCGCGCCGC[G>A]TCTTCCTCGGCCAGCTGCCGCTGCCGCTTGGCCTCTTCCGCCAGGGCACGCAGGCGGGCG-3'
Protein context (NP_958786.1, residues 1813-1833): AKRQRQLAEE[Asp1823=]AARQRAEAER